The following is an entry in ClinVar:

ClinVar aggregate classification (germline): Likely benign (1 of 4 stars; one submission).

Allele frequency attached by ClinVar (database versions not stated): 1000 Genomes Project 30x 0.00156; 1000 Genomes Project 0.00160; ExAC 0.00277; gnomAD 0.00328; ESP Exome Variant Server 0.00392; TOPMed 0.00412; gnomAD exomes 0.00500.

Submission:

CeGaT Center for Human Genetics Tuebingen
Classification: Likely benign. Last evaluated: 2023-04-01. Review status: criteria provided, single submitter. Criteria: CeGaT Center For Human Genetics Tuebingen Variant Classification Criteria Version 2. Collection method: clinical testing. Allele origin: germline. Affected: yes. Observed: 1 variant allele.
Comment: GPR142: BS2

NM_001331076.1(GPR142):c.359T>C (p.Val120Ala)

Gene: GPR142 (G protein-coupled receptor 142; plus strand). Cytogenetic location: 17q25.1.
Variant type: single nucleotide variant.
Coding change: c.359T>C on transcript NM_001331076.1 (MANE Select); coding-DNA position 359, T replaced by C.
Protein change: p.Val120Ala; replaces valine 120 with alanine.
Molecular consequence: missense variant.
Genome position (GRCh38, 1-based): chr17:74,371,834, T>C. VCF-style: chr17-74371834-T-C. GRCh37 (hg19) VCF-style: chr17-72367973-T-C.
Other names: c.359T>C, p.Val120Ala (NM_001331077.1); c.623T>C, p.Val208Ala (NM_181790.1); short protein forms V120A, V208A.
Identifiers: ClinVar variation 2648219 (VCV002648219.24), dbSNP rs148514779, ClinGen allele CA8747540.